The following is an entry in ClinVar:

NM_000465.4(BARD1):c.1717A>C (p.Ile573Leu)

Gene: BARD1 (BRCA1 associated RING domain 1; minus strand). Cytogenetic location: 2q35.
Variant type: single nucleotide variant.
Coding change: c.1717A>C on transcript NM_000465.4 (MANE Select); coding-DNA position 1717, A replaced by C.
Protein change: p.Ile573Leu; replaces isoleucine 573 with leucine.
Molecular consequence: missense variant. On other transcripts: non-coding transcript variant (3), intron variant (1).
Genome position (GRCh38, 1-based): chr2:214,745,815, T>G on the plus strand (A>C on the coding strand, the complement: BARD1 is on the minus strand). VCF-style: chr2-214745815-T-G. GRCh37 (hg19) VCF-style: chr2-215610539-T-G.
Other names: c.1717A>C (NM_000465.2); c.364A>C, p.Ile122Leu (NM_001282545.2); c.307A>C, p.Ile103Leu (NM_001282548.2); c.365-15307A>C (NM_001282549.2); c.1660A>C, p.Ile554Leu (NM_001282543.2); short protein forms I122L, I573L, I103L, I554L.
Identifiers: ClinVar variation 2057144 (VCV002057144.6), dbSNP rs1574739553, ClinGen allele CA350453172.

ClinVar aggregate classification (germline): Uncertain significance. Review status: criteria provided, multiple submitters, no conflicts (2 of 4 stars). 2 submissions from 2 submitters: Uncertain significance (2). Last evaluated 2026-03-25.

Conditions:
Hereditary cancer-predisposing syndrome. Also called: Neoplastic Syndromes, Hereditary; Tumor predisposition; Hereditary Cancer Syndrome; Hereditary neoplastic syndrome. Identifiers: Orphanet 140162, MedGen C0027672, MeSH D009386, MONDO:0015356.
Familial cancer of breast. Also called: Hereditary breast cancer; hereditary breast carcinoma; BREAST CANCER, FAMILIAL. Identifiers: Orphanet 227535, MedGen C0346153, MONDO:0016419, OMIM 114480. Disease mechanism: loss of function.

Submissions (2):

Ambry Genetics
Classification: Uncertain significance for Hereditary cancer-predisposing syndrome. Last evaluated: 2026-03-25. Review status: criteria provided, single submitter. Criteria: Ambry Variant Classification Scheme 2023. Collection method: clinical testing. Allele origin: germline.
Comment: The p.I573L variant (also known as c.1717A>C), located in coding exon 8 of the BARD1 gene, results from an A to C substitution at nucleotide position 1717. The isoleucine at codon 573 is replaced by leucine, an amino acid with highly similar properties. This amino acid position is conserved. In addition, this alteration is predicted to be tolerated by in silico analysis. Based on the available evidence, the clinical significance of this variant remains unclear.

Labcorp Genetics (formerly Invitae), Labcorp
Classification: Uncertain significance for Familial cancer of breast. Last evaluated: 2023-03-22. Review status: criteria provided, single submitter. Criteria: Invitae Variant Classification Sherloc (09022015). Collection method: clinical testing. Allele origin: germline.
Comment: Algorithms developed to predict the effect of missense changes on protein structure and function output the following: SIFT: "Not Available"; PolyPhen-2: "Benign"; Align-GVGD: "Not Available". The leucine amino acid residue is found in multiple mammalian species, which suggests that this missense change does not adversely affect protein function. This sequence change replaces isoleucine, which is neutral and non-polar, with leucine, which is neutral and non-polar, at codon 573 of the BARD1 protein (p.Ile573Leu). This variant is not present in population databases (gnomAD no frequency). This variant has not been reported in the literature in individuals affected with BARD1-related conditions. ClinVar contains an entry for this variant (Variation ID: 2057144). In summary, the available evidence is currently insufficient to determine the role of this variant in disease. Therefore, it has been classified as a Variant of Uncertain Significance.